The following is an entry in ClinVar:

ClinVar aggregate classification (germline): Uncertain significance (1 of 4 stars; one submission).

Conditions:
Syndromic multisystem autoimmune disease due to ITCH deficiency. Also called: AUTOIMMUNE DISEASE, MULTISYSTEM, WITH FACIAL DYSMORPHISM. Identifiers: Orphanet 228426, MedGen C3150649, MONDO:0013245, OMIM 613385.

Submission:

Labcorp Genetics (formerly Invitae), Labcorp
Classification: Uncertain significance for Syndromic multisystem autoimmune disease due to ITCH deficiency. Last evaluated: 2021-06-16. Review status: criteria provided, single submitter. Criteria: Invitae Variant Classification Sherloc (09022015). Collection method: clinical testing. Allele origin: germline.
Comment: This sequence change replaces threonine with serine at codon 342 of the ITCH protein (p.Thr342Ser). The threonine residue is moderately conserved and there is a small physicochemical difference between threonine and serine. This variant is not present in population databases (ExAC no frequency). This variant has not been reported in the literature in individuals with ITCH-related conditions. Algorithms developed to predict the effect of missense changes on protein structure and function are either unavailable or do not agree on the potential impact of this missense change (SIFT: "Not Available"; PolyPhen-2: "Benign"; Align-GVGD: "Not Available"). In summary, the available evidence is currently insufficient to determine the role of this variant in disease. Therefore, it has been classified as a Variant of Uncertain Significance.

NM_031483.7(ITCH):c.1024A>T (p.Thr342Ser)

Gene: ITCH (itchy E3 ubiquitin protein ligase; plus strand). Cytogenetic location: 20q11.22.
Variant type: single nucleotide variant.
Coding change: c.1024A>T on transcript NM_031483.7 (MANE Select); coding-DNA position 1024, A replaced by T.
Protein change: p.Thr342Ser; replaces threonine 342 with serine.
Molecular consequence: missense variant.
Genome position (GRCh38, 1-based): chr20:34,445,345, A>T. VCF-style: chr20-34445345-A-T. GRCh37 (hg19) VCF-style: chr20-33033150-A-T.
Other names: c.1147A>T, p.Thr383Ser (NM_001257137.3, NM_001324197.2); c.694A>T, p.Thr232Ser (NM_001257138.3); c.1024A>T, p.Thr342Ser (NM_001324198.2); short protein forms T232S, T342S, T383S.
Identifiers: ClinVar variation 1433576 (VCV001433576.8), dbSNP rs2146306458, ClinGen allele CA408664001.